The following is an entry in ClinVar:

NM_000466.3(PEX1):c.685A>C (p.Asn229His)

Gene: PEX1 (peroxisomal biogenesis factor 1; minus strand). Cytogenetic location: 7q21.2.
Variant type: single nucleotide variant.
Coding change: c.685A>C on transcript NM_000466.3 (MANE Select); coding-DNA position 685, A replaced by C.
Protein change: p.Asn229His; replaces asparagine 229 with histidine.
Molecular consequence: missense variant.
Genome position (GRCh38, 1-based): chr7:92,517,830, T>G on the plus strand (A>C on the coding strand, the complement: PEX1 is on the minus strand). VCF-style: chr7-92517830-T-G. GRCh37 (hg19) VCF-style: chr7-92147144-T-G.
Other names: c.685A>C, p.Asn229His (NM_001282677.2); c.61A>C, p.Asn21His (NM_001282678.2); short protein forms N229H, N21H.
Identifiers: ClinVar variation 4627271 (VCV004627271.2).
Genomic context (GRCh38, chr7:92,517,830, plus strand): 5'-TCATAGTCCATAAACTTGCTACTGATGATGAGTCAACTGGAATCTCTGACTCGTTTTCAT[T>G]AGATTCAGTGATTCCCACAGTATTTGACTGAAGTTGCTTGGTTTGAAGTTCTTTCATCAT-3'
Protein context (NP_000457.1, residues 219-239): QSNTVGITES[Asn229His]ENESEIPVDS

ClinVar aggregate classification (germline): Uncertain significance. Review status: criteria provided, multiple submitters, no conflicts (2 of 4 stars). 2 submissions from 2 submitters: Uncertain significance (2). Last evaluated 2026-03-20.

Conditions:
PEX1-related disorder. Also called: PEX1-related condition.
Inborn genetic diseases. Identifiers: MedGen C0950123, MeSH D030342.

gnomAD v4.1: 10 of 1,546,532 alleles (0.00065%); highest among the groups gnomAD compares: Non-Finnish European, 0.00087%; no homozygotes.

Submissions (2):

PreventionGenetics, part of Exact Sciences
Classification: Uncertain significance for PEX1-related condition. Last evaluated: 2026-03-20. Review status: criteria provided, single submitter. Criteria: ACMG Guidelines, 2015. Collection method: clinical testing. Allele origin: germline.
Comment: The PEX1 c.685A>C variant is predicted to result in the amino acid substitution p.Asn229His. To our knowledge, this variant has not been reported in the literature. This variant is reported in 0.0011% of alleles in individuals of European (Non-Finnish) descent in gnomAD. At this time, the clinical significance of this variant is uncertain due to the absence of conclusive functional and genetic evidence.

Ambry Genetics
Classification: Uncertain significance for Inborn genetic diseases. Last evaluated: 2025-09-22. Review status: criteria provided, single submitter. Criteria: Ambry Variant Classification Scheme 2023. Collection method: clinical testing. Allele origin: germline.